The following is an entry in ClinVar:

ClinVar aggregate classification (germline): Uncertain significance (1 of 4 stars; one submission).

Conditions:
Epidermolysis bullosa simplex with nail dystrophy (EBS5D). Identifiers: MedGen C4225309, MONDO:0014661, OMIM 616487.
Epidermolysis bullosa simplex, Ogna type (EBS5A). Also called: EPIDERMOLYSIS BULLOSA SIMPLEX 5A, OGNA TYPE; Pidermolysis bullosa simplex 5A, Ogna type. Identifiers: Orphanet 79401, MedGen C0432317, MONDO:0007555, OMIM 131950.
Autosomal recessive limb-girdle muscular dystrophy type 2Q (LGMDR17). Also called: MUSCULAR DYSTROPHY, LIMB-GIRDLE, AUTOSOMAL RECESSIVE 17. Identifiers: Orphanet 254361, MedGen C3150989, MONDO:0013390, OMIM 613723.
Epidermolysis bullosa simplex 5B, with muscular dystrophy (EBS5B). Also called: EPIDERMOLYSIS BULLOSA SIMPLEX AND LIMB-GIRDLE MUSCULAR DYSTROPHY; Epidermolysis bullosa simplex with muscular dystrophy. Identifiers: Orphanet 257, MedGen C2931072, MONDO:0009181, OMIM 226670.
Epidermolysis bullosa simplex 5C, with pyloric atresia (EBS5C). Also called: PLEC1-Related Epidermolysis Bullosa with Pyloric Atresia; PLEC-Related Epidermolysis Bullosa with Pyloric Atresia; Epidermolysis bullosa simplex with pyloric atresia. Identifiers: Orphanet 158684, MedGen C2677349, MONDO:0012807, OMIM 612138.

gnomAD v4.1: 11 of 1,584,640 alleles (0.00069%); highest among the groups gnomAD compares: Non-Finnish European, 0.00094%; no homozygotes.

Submission:

Labcorp Genetics (formerly Invitae), Labcorp
Classification: Uncertain significance for Autosomal recessive limb-girdle muscular dystrophy type 2Q; Epidermolysis bullosa simplex, Ogna type; Epidermolysis bullosa simplex with nail dystrophy; Epidermolysis bullosa simplex 5C, with pyloric atresia; Epidermolysis bullosa simplex 5B, with muscular dystrophy. Last evaluated: 2025-07-31. Review status: criteria provided, single submitter. Criteria: Invitae Variant Classification Sherloc (09022015). Collection method: clinical testing. Allele origin: germline.
Comment: This sequence change replaces glutamic acid, which is acidic and polar, with glutamine, which is neutral and polar, at codon 1585 of the PLEC protein (p.Glu1585Gln). This variant is present in population databases (no rsID available, gnomAD 0.01%). This variant has not been reported in the literature in individuals affected with PLEC-related conditions. ClinVar contains an entry for this variant (Variation ID: 3761182). Invitae Evidence Modeling of protein sequence and biophysical properties (such as structural, functional, and spatial information, amino acid conservation, physicochemical variation, residue mobility, and thermodynamic stability) indicates that this missense variant is expected to disrupt PLEC protein function with a positive predictive value of 80%. In summary, the available evidence is currently insufficient to determine the role of this variant in disease. Therefore, it has been classified as a Variant of Uncertain Significance.

NM_201384.3(PLEC):c.4672G>C (p.Glu1558Gln)

Gene: PLEC (plectin; minus strand). Cytogenetic location: 8q24.3.
Variant type: single nucleotide variant.
Coding change: c.4672G>C on transcript NM_201384.3 (MANE Select); coding-DNA position 4672, G replaced by C.
Protein change: p.Glu1558Gln; replaces glutamic acid 1558 with glutamine.
Molecular consequence: missense variant. On other transcripts: intron variant (1).
Genome position (GRCh38, 1-based): chr8:143,925,257, C>G on the plus strand (G>C on the coding strand, the complement: PLEC is on the minus strand). VCF-style: chr8-143925257-C-G. GRCh37 (hg19) VCF-style: chr8-144999425-C-G.
Other names: c.4753G>C, p.Glu1585Gln (NM_000445.5); c.4630G>C, p.Glu1544Gln (NM_201378.4); c.4606G>C, p.Glu1536Gln (NM_201379.3); c.5083G>C, p.Glu1695Gln (NM_201380.4); c.4576G>C, p.Glu1526Gln (NM_201381.3); c.4672G>C, p.Glu1558Gln (NM_201382.4); c.4684G>C, p.Glu1562Gln (NM_201383.3); c.4125+1527G>C (NM_001410941.1); short protein forms E1526Q, E1536Q, E1544Q, E1558Q, E1562Q, E1585Q, E1695Q.
Identifiers: ClinVar variation 3761182 (VCV003761182.2).